The following is an entry in ClinVar:

ClinVar aggregate classification (germline): Uncertain significance. Review status: criteria provided, multiple submitters, no conflicts (2 of 4 stars). 3 submissions from 3 submitters: Uncertain significance (3). Last evaluated 2024-10-31.

Conditions:
Usher syndrome type 3B. Also called: USHER SYNDROME, TYPE IIIB. Identifiers: MedGen C3281066, MONDO:0013788, OMIM 614504.

Allele frequency attached by ClinVar (database versions not stated): gnomAD 0.00001 and 0.00002; TOPMed 0.00001; ESP Exome Variant Server 0.00008.
gnomAD v4.1: 14 of 1,614,030 alleles (0.00087%); highest among the groups gnomAD compares: South Asian, 0.0033%; no homozygotes.

Submissions (3):

Labcorp Genetics (formerly Invitae), Labcorp
Classification: Uncertain significance for Usher syndrome type 3B. Last evaluated: 2024-10-31. Review status: criteria provided, single submitter. Criteria: Invitae Variant Classification Sherloc (09022015). Collection method: clinical testing. Allele origin: germline.
Comment: This sequence change replaces glycine, which is neutral and non-polar, with serine, which is neutral and polar, at codon 467 of the HARS protein (p.Gly467Ser). This variant is present in population databases (rs372237777, gnomAD 0.003%). This variant has not been reported in the literature in individuals affected with HARS-related conditions. ClinVar contains an entry for this variant (Variation ID: 425356). Invitae Evidence Modeling of protein sequence and biophysical properties (such as structural, functional, and spatial information, amino acid conservation, physicochemical variation, residue mobility, and thermodynamic stability) indicates that this missense variant is expected to disrupt HARS protein function with a positive predictive value of 80%. In summary, the available evidence is currently insufficient to determine the role of this variant in disease. Therefore, it has been classified as a Variant of Uncertain Significance.

GeneDx
Classification: Uncertain significance. Last evaluated: 2022-09-22. Review status: criteria provided, single submitter. Criteria: GeneDx Variant Classification Process June 2021. Collection method: clinical testing. Allele origin: germline. Affected: yes.
Comment: Not observed at significant frequency in large population cohorts (gnomAD); In silico analysis supports that this missense variant has a deleterious effect on protein structure/function; Has not been previously published as pathogenic or benign to our knowledge

CeGaT Center for Human Genetics Tuebingen
Classification: Uncertain significance. Last evaluated: 2016-06-01. Review status: criteria provided, single submitter. Criteria: CeGaT Center For Human Genetics Tuebingen Variant Classification Criteria Version 2. Collection method: clinical testing. Allele origin: germline. Affected: yes. Observed: 1 variant allele.

NM_002109.6(HARS1):c.1399G>A (p.Gly467Ser)

Gene: HARS1 (histidyl-tRNA synthetase 1; minus strand). Cytogenetic location: 5q31.3.
Variant type: single nucleotide variant.
Coding change: c.1399G>A on transcript NM_002109.6 (MANE Select); coding-DNA position 1399, G replaced by A.
Protein change: p.Gly467Ser; replaces glycine 467 with serine.
Molecular consequence: missense variant.
Genome position (GRCh38, 1-based): chr5:140,674,738, C>T on the plus strand (G>A on the coding strand, the complement: HARS1 is on the minus strand). VCF-style: chr5-140674738-C-T. GRCh37 (hg19) VCF-style: chr5-140054323-C-T.
Other names: c.1279G>A, p.Gly427Ser (NM_001258040.3); c.1339G>A, p.Gly447Ser (NM_001258041.3); c.1219G>A, p.Gly407Ser (NM_001258042.3); c.1177G>A, p.Gly393Ser (NM_001289092.2); c.1057G>A, p.Gly353Ser (NM_001289093.2); c.1312G>A, p.Gly438Ser (NM_001289094.2); c.1399G>A (NM_002109.5); short protein forms G467S, G393S, G447S, G407S, G353S, G427S, G438S.
Identifiers: ClinVar variation 425356 (VCV000425356.50), dbSNP rs372237777, ClinGen allele CA16621825.